The following is an entry in ClinVar:

NM_020884.7(MYH7B):c.5058G>A (p.Ser1686=)

Gene: MYH7B (myosin heavy chain 7B; plus strand). Cytogenetic location: 20q11.22.
Variant type: single nucleotide variant.
Coding change: c.5058G>A on transcript NM_020884.7 (MANE Select); coding-DNA position 5058, G replaced by A.
Protein change: p.Ser1686=; no amino-acid change (serine 1686 retained).
Molecular consequence: synonymous variant.
Genome position (GRCh38, 1-based): chr20:35,000,569, G>A. VCF-style: chr20-35000569-G-A. GRCh37 (hg19) VCF-style: chr20-33588372-G-A.
Other names: c.5184G>A (NM_020884.4).
Identifiers: ClinVar variation 1575773 (VCV001575773.9), dbSNP rs755522477, ClinGen allele CA9828413.

ClinVar aggregate classification (germline): Likely benign. Review status: criteria provided, multiple submitters, no conflicts (2 of 4 stars). 2 submissions from 2 submitters: Likely benign (2). Last evaluated 2025-04-28.

Conditions:
MYH7B-related disorder. Also called: MYH7B-related condition.

Allele frequency attached by ClinVar (database versions not stated): gnomAD exomes 0.00002 and 0.00005; ExAC 0.00003; gnomAD 0.00003; TOPMed 0.00003.
gnomAD v4.1: 36 of 1,569,350 alleles (0.0023%); highest among the groups gnomAD compares: Admixed American, 0.013%; no homozygotes.

Submissions (2):

PreventionGenetics, part of Exact Sciences
Classification: Likely benign for MYH7B-related condition. Last evaluated: 2025-04-28. Review status: criteria provided, single submitter. Criteria: ACMG Guidelines, 2015. Collection method: clinical testing. Allele origin: germline.
Comment: This variant is classified as likely benign based on ACMG/AMP sequence variant interpretation guidelines (Richards et al. 2015 PMID: 25741868, with internal and published modifications).

Labcorp Genetics (formerly Invitae), Labcorp
Classification: Likely benign. Last evaluated: 2024-06-12. Review status: criteria provided, single submitter. Criteria: Invitae Variant Classification Sherloc (09022015). Collection method: clinical testing. Allele origin: germline.